The following is an entry in ClinVar:

ClinVar aggregate classification (germline): Uncertain significance. Review status: criteria provided, multiple submitters, no conflicts (2 of 4 stars). 2 submissions from 2 submitters: Uncertain significance (2). Last evaluated 2026-09-21.

Conditions:
MYO15A-related disorder. Also called: MYO15A-related condition.
Inborn genetic diseases. Identifiers: MedGen C0950123, MeSH D030342.

gnomAD v4.1: 59 of 1,360,854 alleles (0.0043%); highest among the groups gnomAD compares: Non-Finnish European, 0.0053%; no homozygotes.

Submissions (2):

PreventionGenetics, part of Exact Sciences
Classification: Uncertain significance for MYO15A-related condition. Last evaluated: 2026-09-21. Review status: criteria provided, single submitter. Criteria: ACMG Guidelines, 2015. Collection method: clinical testing. Allele origin: germline.
Comment: The MYO15A c.2083G>A variant is predicted to result in the amino acid substitution p.Gly695Ser. To our knowledge, this variant has not been reported in the literature or population database gnomAD. At this time, the clinical significance of this variant is uncertain due to the absence of conclusive functional and genetic evidence.

Ambry Genetics
Classification: Uncertain significance for Inborn genetic diseases. Last evaluated: 2025-06-26. Review status: criteria provided, single submitter. Criteria: Ambry Variant Classification Scheme 2023. Collection method: clinical testing. Allele origin: germline.

NM_016239.4(MYO15A):c.2083G>A (p.Gly695Ser)

Gene: MYO15A (myosin XVA; plus strand). Cytogenetic location: 17p11.2.
Variant type: single nucleotide variant.
Coding change: c.2083G>A on transcript NM_016239.4 (MANE Select); coding-DNA position 2083, G replaced by A.
Protein change: p.Gly695Ser; replaces glycine 695 with serine.
Molecular consequence: missense variant.
Genome position (GRCh38, 1-based): chr17:18,120,883, G>A. VCF-style: chr17-18120883-G-A. GRCh37 (hg19) VCF-style: chr17-18024197-G-A.
Other names: short protein forms G695S.
Identifiers: ClinVar variation 4115169 (VCV004115169.2).